The following is an entry in ClinVar:

ClinVar aggregate classification (germline): Uncertain significance (1 of 4 stars; one submission).

Submission:

GeneDx
Classification: Uncertain significance. Last evaluated: 2024-12-30. Review status: criteria provided, single submitter. Criteria: GeneDx Variant Classification Process June 2021. Collection method: clinical testing. Allele origin: germline. Affected: yes.
Comment: Not observed at significant frequency in large population cohorts (gnomAD); In silico analysis supports that this missense variant has a deleterious effect on protein structure/function; Has not been previously published as pathogenic or benign to our knowledge

NM_013450.4(BAZ2B):c.3956A>T (p.Glu1319Val)

Gene: BAZ2B (bromodomain adjacent to zinc finger domain 2B; minus strand). Cytogenetic location: 2q24.2.
Variant type: single nucleotide variant.
Coding change: c.3956A>T on transcript NM_013450.4 (MANE Select); coding-DNA position 3956, A replaced by T.
Protein change: p.Glu1319Val; replaces glutamic acid 1319 with valine.
Molecular consequence: missense variant.
Genome position (GRCh38, 1-based): chr2:159,382,608, T>A on the plus strand (A>T on the coding strand, the complement: BAZ2B is on the minus strand). VCF-style: chr2-159382608-T-A. GRCh37 (hg19) VCF-style: chr2-160239119-T-A.
Other names: c.3848A>T, p.Glu1283Val (NM_001289975.1); c.3794A>T, p.Glu1265Val (NM_001329857.2); c.3881A>T, p.Glu1294Val (NM_001329858.2); short protein forms E1265V, E1283V, E1294V, E1319V.
Identifiers: ClinVar variation 3908080 (VCV003908080.1).